The following is an entry in ClinVar:

NM_000459.5(TEK):c.1762C>T (p.Gln588Ter)

Gene: TEK (TEK receptor tyrosine kinase; plus strand). Cytogenetic location: 9p21.2.
Variant type: single nucleotide variant.
Coding change: c.1762C>T on transcript NM_000459.5 (MANE Select); coding-DNA position 1762, C replaced by T.
Protein change: p.Gln588Ter; replaces glutamine 588 with a stop codon.
Molecular consequence: nonsense.
Genome position (GRCh38, 1-based): chr9:27,197,452, C>T. VCF-style: chr9-27197452-C-T. GRCh37 (hg19) VCF-style: chr9-27197450-C-T.
Other names: c.1633C>T, p.Gln545Ter (NM_001290077.2, NM_001375476.1); c.1321C>T, p.Gln441Ter (NM_001290078.2); c.1762C>T, p.Gln588Ter (NM_001375475.1); short protein forms Q588*, Q441*, Q545*.
Identifiers: ClinVar variation 1453468 (VCV001453468.6), dbSNP rs1825070895, ClinGen allele CA373113335.
Genomic context (GRCh38, chr9:27,197,452, plus strand): 5'-CCAAGCTCGGAAGATGACTTTTATGTTGAAGTGGAGAGAAGGTCTGTGCAAAAAAGTGAT[C>T]AGCAGAATATTAAAGTTCCAGGCAACTTGACTTCGGTGCTACTTAACAACTTACATCCCA-3'

ClinVar aggregate classification (germline): Pathogenic (1 of 4 stars; one submission).

Submission:

Labcorp Genetics (formerly Invitae), Labcorp
Classification: Pathogenic. Last evaluated: 2021-09-29. Review status: criteria provided, single submitter. Criteria: Invitae Variant Classification Sherloc (09022015). Collection method: clinical testing. Allele origin: germline.
Comment: This sequence change creates a premature translational stop signal (p.Gln588*) in the TEK gene. It is expected to result in an absent or disrupted protein product. Loss-of-function variants in TEK are known to be pathogenic (PMID: 27270174). This variant has not been reported in the literature in individuals affected with TEK-related conditions. This variant is not present in population databases (ExAC no frequency). For these reasons, this variant has been classified as Pathogenic.

Literature cited by the submitters: PubMed 27270174.